The following is an entry in ClinVar:

ClinVar aggregate classification (germline): Uncertain significance (1 of 4 stars; one submission).

Allele frequency attached by ClinVar (database versions not stated): gnomAD exomes below 0.00001; TOPMed below 0.00001; gnomAD 0.00001.
gnomAD v4.1: 6 of 1,613,784 alleles (0.00037%); highest among the groups gnomAD compares: Non-Finnish European, 0.00042%; no homozygotes.

Submission:

Labcorp Genetics (formerly Invitae), Labcorp
Classification: Uncertain significance. Last evaluated: 2024-09-05. Review status: criteria provided, single submitter. Criteria: Invitae Variant Classification Sherloc (09022015). Collection method: clinical testing. Allele origin: germline.
Comment: This sequence change replaces isoleucine, which is neutral and non-polar, with leucine, which is neutral and non-polar, at codon 633 of the OPA1 protein (p.Ile633Leu). This variant is not present in population databases (gnomAD no frequency). This variant has not been reported in the literature in individuals affected with OPA1-related conditions. ClinVar contains an entry for this variant (Variation ID: 1983436). Invitae Evidence Modeling of protein sequence and biophysical properties (such as structural, functional, and spatial information, amino acid conservation, physicochemical variation, residue mobility, and thermodynamic stability) indicates that this missense variant is not expected to disrupt OPA1 protein function with a negative predictive value of 80%. In summary, the available evidence is currently insufficient to determine the role of this variant in disease. Therefore, it has been classified as a Variant of Uncertain Significance.

NM_130837.3(OPA1):c.2062A>C (p.Ile688Leu)

Gene: OPA1 (OPA1 mitochondrial dynamin like GTPase; plus strand). Cytogenetic location: 3q29.
Variant type: single nucleotide variant.
Coding change: c.2062A>C on transcript NM_130837.3 (MANE Select); coding-DNA position 2062, A replaced by C.
Protein change: p.Ile688Leu; replaces isoleucine 688 with leucine.
Molecular consequence: missense variant.
Genome position (GRCh38, 1-based): chr3:193,654,911, A>C. VCF-style: chr3-193654911-A-C. GRCh37 (hg19) VCF-style: chr3-193372700-A-C.
Other names: c.1528A>C, p.Ile510Leu (NM_001354663.2); c.1525A>C, p.Ile509Leu (NM_001354664.2); c.1897A>C, p.Ile633Leu (NM_015560.3); c.1789A>C, p.Ile597Leu (NM_130831.3); c.1843A>C, p.Ile615Leu (NM_130832.3); c.1900A>C, p.Ile634Leu (NM_130833.3); c.1951A>C, p.Ile651Leu (NM_130834.3); c.1954A>C, p.Ile652Leu (NM_130835.3); and 1 more; short protein forms I510L, I670L, I615L, I634L, I597L, I652L, I509L, I633L.
Identifiers: ClinVar variation 1983436 (VCV001983436.4), dbSNP rs1480952132, ClinGen allele CA355791072.